The following is an entry in ClinVar:

NM_005744.5(ARIH1):c.240_263del (p.Gly83_Gly90del)

Gene: ARIH1 (ariadne RBR E3 ubiquitin protein ligase 1; plus strand). Cytogenetic location: 15q24.1.
Variant type: Deletion.
Coding change: c.240_263del on transcript NM_005744.5 (MANE Select); coding-DNA positions 240 to 263, 24 bases deleted (CGGCGGCGGCGGCGGCGGTGGTGG).
Protein change: p.Gly83_Gly90del.
Molecular consequence: inframe deletion.
Genome position (GRCh38, 1-based): chr15:72,474,879-72,474,902, CGGCGGCGGCGGCGGCGGTGGTGG deleted; deleting any 24 consecutive bases within chr15:72,474,877-72,474,902 gives the same sequence; the c. name uses the placement nearest the transcript's 3' end. VCF-style (leftmost placement, unchanged base first): chr15-72474876-CGGCGGCGGCGGCGGCGGCGGTGGT-C. GRCh37 (hg19) VCF-style: chr15-72767217-CGGCGGCGGCGGCGGCGGCGGTGGT-C.
Identifiers: ClinVar variation 3002549 (VCV003002549.3), dbSNP rs1450983667, ClinGen allele CA715483948.
Genomic context (GRCh38, chr15:72,474,876, plus strand): 5'-CGGACTGCTGTGCGGGGAGACGGGCGGTGGCGGCGGCAGCGCTCTGGGGCCCGGCGGTGG[CGGCGGCGGCGGCGGCGGCGGTGGT>C]GGTGGCGGGCCGGGGCATGAGCAGGAGGAGGATTACCGCTACGAGGTGCTCACGGCCGAG-3'

ClinVar aggregate classification (germline): Uncertain significance (1 of 4 stars; one submission).

Submission:

Labcorp Genetics (formerly Invitae), Labcorp
Classification: Uncertain significance. Last evaluated: 2025-02-07. Review status: criteria provided, single submitter. Criteria: Invitae Variant Classification Sherloc (09022015). Collection method: clinical testing. Allele origin: germline.
Comment: This variant, c.240_263del, results in the deletion of 8 amino acid(s) of the ARIH1 protein (p.Gly83_Gly90del), but otherwise preserves the integrity of the reading frame. This variant is not present in population databases (gnomAD no frequency). This variant has not been reported in the literature in individuals affected with ARIH1-related conditions. ClinVar contains an entry for this variant (Variation ID: 3002549). Experimental studies and prediction algorithms are not available or were not evaluated, and the functional significance of this variant is currently unknown. In summary, the available evidence is currently insufficient to determine the role of this variant in disease. Therefore, it has been classified as a Variant of Uncertain Significance.